The following is an entry in ClinVar:

NM_000264.5(PTCH1):c.1276A>T (p.Thr426Ser)

Gene: PTCH1 (patched 1; minus strand). Cytogenetic location: 9q22.32.
Variant type: single nucleotide variant.
Coding change: c.1276A>T on transcript NM_000264.5 (MANE Select); coding-DNA position 1276, A replaced by T.
Protein change: p.Thr426Ser; replaces threonine 426 with serine.
Molecular consequence: missense variant. On other transcripts: non-coding transcript variant (1).
Genome position (GRCh38, 1-based): chr9:95,478,126, T>A on the plus strand (A>T on the coding strand, the complement: PTCH1 is on the minus strand). VCF-style: chr9-95478126-T-A. GRCh37 (hg19) VCF-style: chr9-98240408-T-A.
Other names: c.1078A>T, p.Thr360Ser (NM_001083602.3); c.1273A>T, p.Thr425Ser (NM_001083603.3); c.823A>T, p.Thr275Ser (NM_001083604.3, NM_001083605.3, NM_001083606.3 and 1 more transcripts); c.1276A>T, p.Thr426Ser (NM_001354918.2); short protein forms T425S, T426S, T275S, T360S.
Identifiers: ClinVar variation 1972131 (VCV001972131.9), dbSNP rs2118335194, ClinGen allele CA374118846.

ClinVar aggregate classification (germline): Uncertain significance. Review status: criteria provided, multiple submitters, no conflicts (2 of 4 stars). 3 submissions from 3 submitters: Uncertain significance (3). Last evaluated 2025-08-05.

Conditions:
Gorlin syndrome. Also called: Nevoid Basal Cell Carcinoma Syndrome; Basal cell nevus syndrome. Identifiers: Orphanet 377, MedGen C0004779, MONDO:0007187.
Hereditary cancer-predisposing syndrome. Also called: Hereditary neoplastic syndrome; Neoplastic Syndromes, Hereditary; Tumor predisposition; Hereditary Cancer Syndrome. Identifiers: Orphanet 140162, MedGen C0027672, MeSH D009386, MONDO:0015356.

Submissions (3):

GeneDx
Classification: Uncertain significance. Last evaluated: 2025-08-05. Review status: criteria provided, single submitter. Criteria: GeneDx Variant Classification Process June 2021. Collection method: clinical testing. Allele origin: germline. Affected: yes.
Comment: Not observed at significant frequency in large population cohorts (gnomAD); In silico analysis suggests that this missense variant does not alter protein structure/function; Has not been previously published as pathogenic or benign to our knowledge; This variant is associated with the following publications: (PMID: 8906794)

Ambry Genetics
Classification: Uncertain significance for Hereditary cancer-predisposing syndrome. Last evaluated: 2025-08-03. Review status: criteria provided, single submitter. Criteria: Ambry Variant Classification Scheme 2023. Collection method: clinical testing. Allele origin: germline.
Comment: The p.T426S variant (also known as c.1276A>T), located in coding exon 9 of the PTCH1 gene, results from an A to T substitution at nucleotide position 1276. The threonine at codon 426 is replaced by serine, an amino acid with similar properties. This amino acid position is highly conserved in available vertebrate species. In addition, the in silico prediction for this alteration is inconclusive. Since supporting evidence is limited at this time, the clinical significance of this alteration remains unclear.

Labcorp Genetics (formerly Invitae), Labcorp
Classification: Uncertain significance for Gorlin syndrome. Last evaluated: 2025-02-27. Review status: criteria provided, single submitter. Criteria: Invitae Variant Classification Sherloc (09022015). Collection method: clinical testing. Allele origin: germline.
Comment: This sequence change replaces threonine, which is neutral and polar, with serine, which is neutral and polar, at codon 426 of the PTCH1 protein (p.Thr426Ser). This variant is not present in population databases (gnomAD no frequency). This variant has not been reported in the literature in individuals affected with PTCH1-related conditions. ClinVar contains an entry for this variant (Variation ID: 1972131). Invitae Evidence Modeling of protein sequence and biophysical properties (such as structural, functional, and spatial information, amino acid conservation, physicochemical variation, residue mobility, and thermodynamic stability) indicates that this missense variant is not expected to disrupt PTCH1 protein function with a negative predictive value of 95%. In summary, the available evidence is currently insufficient to determine the role of this variant in disease. Therefore, it has been classified as a Variant of Uncertain Significance.